The following is an entry in ClinVar:

ClinVar aggregate classification (germline): Uncertain significance (1 of 4 stars; one submission).

Conditions:
MELAS syndrome (MELAS). Also called: Juvenile myopathy, encephalopathy, lactic acidosis, stroke. Identifiers: Orphanet 550, MedGen C0162671, MONDO:0010789, OMIM 540000.

Submission:

Wong Mito Lab, Molecular and Human Genetics, Baylor College of Medicine
Classification: Uncertain significance for MELAS syndrome. Last evaluated: 2019-07-12. Review status: criteria provided, single submitter. Criteria: Modified ACMG Guidelines (Unpublished). Collection method: clinical testing. Allele origin: germline.
Comment: The NC_012920.1:m.5693T>C variant in MT-TN gene is interpreted to be a Unknown Significance variant based on the modified ACMG guidelines (unpublished). This variant meets the following evidence codes reported in the guidelines: PS3, BP4

Literature cited by the submitters: PubMed 31965079; PubMed 15752774.

NC_012920.1(MT-TN):m.5693T>C

Gene: MT-TN (mitochondrially encoded tRNA asparagine; minus strand).
Variant type: single nucleotide variant.
Genome position: chrM-5693-T-C.
Identifiers: ClinVar variation 689976 (VCV000689976.1), dbSNP rs1603220092, ClinGen allele CA913180261.